The following is an entry in ClinVar:

NM_001999.4(FBN2):c.5494C>T (p.Arg1832Cys)

Gene: FBN2 (fibrillin 2; minus strand). Cytogenetic location: 5q23.3.
Variant type: single nucleotide variant.
Coding change: c.5494C>T on transcript NM_001999.4 (MANE Select); coding-DNA position 5494, C replaced by T.
Protein change: p.Arg1832Cys; replaces arginine 1832 with cysteine.
Molecular consequence: missense variant.
Genome position (GRCh38, 1-based): chr5:128,305,877, G>A on the plus strand (C>T on the coding strand, the complement: FBN2 is on the minus strand). VCF-style: chr5-128305877-G-A. GRCh37 (hg19) VCF-style: chr5-127641569-G-A.
Other names: short protein forms R1832C.
Identifiers: ClinVar variation 487469 (VCV000487469.18), dbSNP rs778519094, ClinGen allele CA3394684.

ClinVar aggregate classification (germline): Conflicting classifications of pathogenicity. Review status: criteria provided, conflicting classifications (1 of 4 stars). 6 submissions from 5 submitters: Uncertain significance (5); Likely benign (1). Last evaluated 2025-08-08.

Conditions:
Congenital contractural arachnodactyly (CCA). Also called: BEALS SYNDROME; Beals-Hecht syndrome; Arthrogryposis, distal, type 9. Identifiers: Orphanet 115, MedGen C0220668, MONDO:0007363, OMIM 121050.
Macular degeneration, early-onset (EOMD). Identifiers: MedGen C4015286, MONDO:0014501, OMIM 616118.
Familial thoracic aortic aneurysm and aortic dissection (TAAD). Also called: Thoracic aortic aneurysms and dissections. Identifiers: Orphanet 91387, MedGen C4707243, MONDO:0019625.

Allele frequency attached by ClinVar (database versions not stated): gnomAD 0.00003 and 0.00005; TOPMed 0.00007; gnomAD exomes below 0.00001 and 0.00001; ExAC 0.00002.
gnomAD v4.1: 11 of 1,613,696 alleles (0.00068%); highest among the groups gnomAD compares: African/African-American, 0.0053%; no homozygotes.

Submissions (6):

Ambry Genetics
Classification: Uncertain significance for Familial thoracic aortic aneurysm and aortic dissection. Last evaluated: 2025-08-08. Review status: criteria provided, single submitter. Criteria: Ambry Variant Classification Scheme 2023. Collection method: clinical testing. Allele origin: germline.
Comment: The p.R1832C variant (also known as c.5494C>T), located in coding exon 43 of the FBN2 gene, results from a C to T substitution at nucleotide position 5494. The arginine at codon 1832 is replaced by cysteine, an amino acid with highly dissimilar properties. This amino acid position is highly conserved in available vertebrate species. In addition, this alteration is predicted to be deleterious by in silico analysis. Based on the available evidence, the clinical significance of this variant remains unclear.

Labcorp Genetics (formerly Invitae), Labcorp
Classification: Likely benign for Congenital contractural arachnodactyly. Last evaluated: 2024-12-28. Review status: criteria provided, single submitter. Criteria: Invitae Variant Classification Sherloc (09022015). Collection method: clinical testing. Allele origin: germline.

GeneDx
Classification: Uncertain significance. Last evaluated: 2024-07-12. Review status: criteria provided, single submitter. Criteria: GeneDx Variant Classification Process June 2021. Collection method: clinical testing. Allele origin: germline. Affected: yes.
Comment: Has not been previously published as pathogenic or benign to our knowledge; Not observed at significant frequency in large population cohorts (gnomAD); In silico analysis supports that this missense variant has a deleterious effect on protein structure/function; This variant is associated with the following publications: (PMID: 19006240, 18767143)

Fulgent Genetics
Classification: Uncertain significance for Congenital contractural arachnodactyly; Macular degeneration, early-onset. Last evaluated: 2021-10-29. Review status: criteria provided, single submitter. Criteria: ACMG Guidelines, 2015. Collection method: clinical testing. Allele origin: unknown.

Center for Genomics, Ann and Robert H. Lurie Children's Hospital of Chicago
Classification: Uncertain significance for Congenital contractural arachnodactyly. Last evaluated: 2017-08-01. Review status: criteria provided, single submitter. Criteria: ACMG Guidelines, 2015. Collection method: clinical testing. Allele origin: germline.
Comment: FBN2 NM_001999.3 exon43 p.Arg1832Cys (c.5494C>T): This variant has not been reported in the literature but is present in 2/24032 African individuals in the Genome Aggregation Database. Evolutionary conservation and computational predictive tools suggest that this variant may impact the protein. In summary, data on this variant is insufficient for disease classification. Therefore, the clinical significance of this variant is uncertain.

Center for Genomics, Ann and Robert H. Lurie Children's Hospital of Chicago
Classification: Uncertain significance for Macular degeneration, early-onset; Congenital contractural arachnodactyly. Review status: criteria provided, single submitter. Criteria: ACMG Guidelines, 2015. Collection method: clinical testing. Allele origin: germline.
Comment: the same text as in the submission from Center for Genomics, Ann and Robert H. Lurie Children's Hospital of Chicago above.